The following is an entry in ClinVar:

NM_003470.3(USP7):c.771T>A (p.Pro257=)

Gene: USP7 (ubiquitin specific peptidase 7; minus strand). Cytogenetic location: 16p13.2.
Variant type: single nucleotide variant.
Coding change: c.771T>A on transcript NM_003470.3 (MANE Select); coding-DNA position 771, T replaced by A.
Protein change: p.Pro257=; no amino-acid change (proline 257 retained).
Molecular consequence: synonymous variant. On other transcripts: non-coding transcript variant (1).
Genome position (GRCh38, 1-based): chr16:8,917,106, A>T on the plus strand (T>A on the coding strand, the complement: USP7 is on the minus strand). VCF-style: chr16-8917106-A-T. GRCh37 (hg19) VCF-style: chr16-9010963-A-T.
Other names: c.723T>A, p.Pro241= (NM_001286457.2); c.474T>A, p.Pro158= (NM_001286458.2); c.597T>A, p.Pro199= (NM_001321858.2).
Identifiers: ClinVar variation 4076297 (VCV004076297.1).
Genomic context (GRCh38, chr16:8,917,106, plus strand): 5'-TTTTGTTCCTACAGGTTTATCACTATGCTGTAATTCATAGAACACTCTTTGTAATGCTAA[A>T]GGGACGCTTTTAGACGAATCATCCCCCTCGGTTGGCATCATGTACACAGCCTGAAACAAT-3'
Protein context (NP_003461.2, residues 247-267): TEGDDSSKSV[Pro257=]LALQRVFYEL

ClinVar aggregate classification (germline): Uncertain significance (1 of 4 stars; one submission).

Conditions:
Hao-Fountain syndrome due to USP7 mutation. Also called: USP7-Related Hao Fountain Syndrome. Identifiers: Orphanet 643538, MedGen C5816734, MONDO:0958071, OMIM 616863.

Submission:

Laboratorio de Genetica e Diagnostico Molecular, Hospital Israelita Albert Einstein
Classification: Uncertain significance for Hao-Fountain syndrome due to USP7 mutation. Last evaluated: 2023-06-01. Review status: criteria provided, single submitter. Criteria: ACMG Guidelines, 2015. Collection method: clinical testing. Allele origin: germline. Affected: yes.
Comment: ACMG classification criteria: PM2 moderate